The following is an entry in ClinVar:

ClinVar aggregate classification (germline): Pathogenic. Review status: criteria provided, multiple submitters, no conflicts (2 of 4 stars). 2 submissions from 2 submitters: Pathogenic (2). Last evaluated 2025-11-19.

Conditions:
Retinitis pigmentosa 25 (RP25). Identifiers: Orphanet 791, MedGen C1864446, MONDO:0011272, OMIM 602772.

Submissions (2):

Myriad Genetics, Inc.
Classification: Pathogenic for Retinitis pigmentosa 25. Last evaluated: 2025-11-19. Review status: criteria provided, single submitter. Criteria: Myriad Autosomal Dominant, Autosomal Recessive and X-Linked Classification Criteria (2023). Collection method: clinical testing. Allele origin: unknown.
Comment: NM_001142800.1(EYS):c.2289G>A(W763*) is expected to be pathogenic in the context of retinitis pigmentosa, EYS-related. This variant is predicted to lead to an abnormal or absent protein product due to the creation of a premature termination codon in EYS, a gene where loss-of-function variants are known to be pathogenic. Please note: this variant was assessed in the context of healthy population screening.

Labcorp Genetics (formerly Invitae), Labcorp
Classification: Pathogenic. Last evaluated: 2023-10-06. Review status: criteria provided, single submitter. Criteria: Invitae Variant Classification Sherloc (09022015). Collection method: clinical testing. Allele origin: germline.
Comment: This sequence change creates a premature translational stop signal (p.Trp763*) in the EYS gene. It is expected to result in an absent or disrupted protein product. Loss-of-function variants in EYS are known to be pathogenic (PMID: 18836446, 20333770). This variant is not present in population databases (gnomAD no frequency). This variant has not been reported in the literature in individuals affected with EYS-related conditions. For these reasons, this variant has been classified as Pathogenic.

Literature cited by the submitters: PubMed 18836446 (cited by Labcorp Genetics (formerly Invitae), Labcorp); PubMed 20333770 (cited by Labcorp Genetics (formerly Invitae), Labcorp).

NM_001142800.2(EYS):c.2289G>A (p.Trp763Ter)

Gene: EYS (EGF-like photoreceptor maintenance factor; minus strand). Cytogenetic location: 6q12.
Variant type: single nucleotide variant.
Coding change: c.2289G>A on transcript NM_001142800.2 (MANE Select); coding-DNA position 2289, G replaced by A.
Protein change: p.Trp763Ter; replaces tryptophan 763 with a stop codon.
Molecular consequence: nonsense.
Genome position (GRCh38, 1-based): chr6:64,945,885, C>T on the plus strand (G>A on the coding strand, the complement: EYS is on the minus strand). VCF-style: chr6-64945885-C-T. GRCh37 (hg19) VCF-style: chr6-65655778-C-T.
Other names: c.2289G>A, p.Trp763Ter (NM_001292009.2); short protein forms W763*.
Identifiers: ClinVar variation 2797452 (VCV002797452.4), dbSNP rs1769272826, ClinGen allele CA364788224.